The following is an entry in ClinVar:

NM_004385.5(VCAN):c.188G>A (p.Arg63His)

Gene: VCAN (versican; plus strand). Cytogenetic location: 5q14.2.
Variant type: single nucleotide variant.
Coding change: c.188G>A on transcript NM_004385.5 (MANE Select); coding-DNA position 188, G replaced by A.
Protein change: p.Arg63His; replaces arginine 63 with histidine.
Molecular consequence: missense variant.
Genome position (GRCh38, 1-based): chr5:83,490,215, G>A. VCF-style: chr5-83490215-G-A. GRCh37 (hg19) VCF-style: chr5-82786034-G-A.
Other names: c.188G>A, p.Arg63His (NM_001126336.3, NM_001164097.2, NM_001164098.2); short protein forms R63H.
Identifiers: ClinVar variation 1466624 (VCV001466624.9), dbSNP rs142148754, ClinGen allele CA3332410.
Genomic context (GRCh38, chr5:83,490,215, plus strand): 5'-CTTGTCATTTTTCAACGATGCCTACTTTGCCACCCAGTTACAACACCAGTGAATTTCTCC[G>A]CATCAAATGGTCTAAGATTGAAGTGGACAAAAATGGAAAAGATTTGAAAGAGACTACTGT-3'
Protein context (NP_004376.2, residues 53-73): PPSYNTSEFL[Arg63His]IKWSKIEVDK

ClinVar aggregate classification (germline): Conflicting classifications of pathogenicity. Review status: criteria provided, conflicting classifications (1 of 4 stars). 2 submissions from 2 submitters: Uncertain significance (1); Likely benign (1). Last evaluated 2024-07-10.

Allele frequency attached by ClinVar (database versions not stated): gnomAD 0.00002 and 0.00003; TOPMed 0.00002; ExAC 0.00003; gnomAD exomes 0.00003; ESP Exome Variant Server 0.00008; 1000 Genomes Project 30x 0.00016; 1000 Genomes Project 0.00020.
gnomAD v4.1: 31 of 1,614,098 alleles (0.0019%); highest among the groups gnomAD compares: East Asian, 0.0045%; no homozygotes.

Submissions (2):

Labcorp Genetics (formerly Invitae), Labcorp
Classification: Uncertain significance. Last evaluated: 2024-07-10. Review status: criteria provided, single submitter. Criteria: Invitae Variant Classification Sherloc (09022015). Collection method: clinical testing. Allele origin: germline.
Comment: This sequence change replaces arginine, which is basic and polar, with histidine, which is basic and polar, at codon 63 of the VCAN protein (p.Arg63His). This variant is present in population databases (rs142148754, gnomAD 0.01%). This variant has not been reported in the literature in individuals affected with VCAN-related conditions. ClinVar contains an entry for this variant (Variation ID: 1466624). An algorithm developed to predict the effect of missense changes on protein structure and function (PolyPhen-2) suggests that this variant is likely to be disruptive. In summary, the available evidence is currently insufficient to determine the role of this variant in disease. Therefore, it has been classified as a Variant of Uncertain Significance.

Blueprint Genetics
Classification: Likely benign. Last evaluated: 2023-07-06. Review status: criteria provided, single submitter. Criteria: ACMG Guidelines, 2015. Collection method: clinical testing. Allele origin: germline.